The following is an entry in ClinVar:

NM_000206.3(IL2RG):c.720G>A (p.Trp240Ter)

Gene: IL2RG (interleukin 2 receptor subunit gamma; minus strand). Cytogenetic location: Xq13.1.
Variant type: single nucleotide variant.
Coding change: c.720G>A on transcript NM_000206.3 (MANE Select); coding-DNA position 720, G replaced by A.
Protein change: p.Trp240Ter; replaces tryptophan 240 with a stop codon.
Molecular consequence: nonsense.
Genome position (GRCh38, 1-based): chrX:71,109,265, C>T on the plus strand (G>A on the coding strand, the complement: IL2RG is on the minus strand). VCF-style: chrX-71109265-C-T. GRCh37 (hg19) VCF-style: chrX-70329115-C-T.
Other names: NM_000206.3(IL2RG):c.720G>A; p.Trp240Ter; short protein forms W240*.
Identifiers: ClinVar variation 463384 (VCV000463384.7), dbSNP rs1556330234, ClinGen allele CA413495887.

ClinVar aggregate classification (germline): Pathogenic. Review status: reviewed by expert panel (3 of 4 stars). 2 submissions from 2 submitters: Pathogenic (1). 1 of the submissions does not count toward it. Last evaluated 2024-06-13.

Conditions:
X-linked severe combined immunodeficiency (SCIDX1). Also called: T-B+ severe combined immunodeficiency due to gamma chain deficiency; IMMUNODEFICIENCY 4; X-Linked Combined Immunodeficiency Diseases; SCID, X-LINKED; SEVERE COMBINED IMMUNODEFICIENCY, X-LINKED, T CELL-NEGATIVE, B CELL-POSITIVE, NK CELL-NEGATIVE. Identifiers: Orphanet 276, MedGen C6022468, MONDO:0010315, OMIM 300400. Disease mechanism: loss of function.

Submissions (2):

ClinGen Severe Combined Immunodeficiency Variant Curation Expert Panel, ClinGen
Classification: Pathogenic for X-linked severe combined immunodeficiency. Last evaluated: 2024-06-13. Review status: reviewed by expert panel. Criteria: ClinGen SCID ACMG Specifications IL2RG V1.0.0. Collection method: curation. Allele origin: germline. Inheritance: X-linked inheritance.
Comment: The c.720G>A (p.Trp240Ter) (NM_000206.3) variant in IL2RG is a nonsense variant predicted to cause a premature stop codon in biologically relevant exon 5/8, leading to nonsense-mediated decay in a gene in which loss-of-function is an established disease mechanism (PVS1 Met). This variant is absent from gnomAD v4 (PM2_Supporting). At least one proband in the literature presents: Diagnostic criteria for SCID/Leaky SCID/Omenn syndrome met (0.5 pts) + XY male sex (0.5 pts) + SCID phenotype corrected by IL2RG gene therapy WITHOUT CNV testing reported (1 pt). Total is 2 points, PP4_Moderate. In summary, this variant meets the criteria to be classified as Pathogenic for X-linked T-B+ severe combined immunodeficiency due to gamma chain deficiency based on the ACMG/AMP criteria applied, as specified by the ClinGen SCID VCEP: PVS1, PM2_Supporting, and PP4_Moderate (VCEP specifications version 1).

Labcorp Genetics (formerly Invitae), Labcorp
Classification: Pathogenic for X-linked severe combined immunodeficiency. Last evaluated: 2016-08-01. Review status: criteria provided, single submitter. Criteria: Invitae Variant Classification Sherloc (09022015). Collection method: clinical testing. Allele origin: germline. Not counted in ClinVar's aggregate classification.
Comment: For these reasons, this variant has been classified as Pathogenic. A different variant, c.719G>A, which results in the same truncating effect (p.Trp240*) on the protein and absent IL2RG expression, has been observed in a patient affected with classic X-linked SCID (IL2RGbase). In addition, fourteen unrelated patients with classic X-linked SCID have been observed in IL2RGbase with truncating mutations in exon 5 showing nonsense-mediated decay and absence of IL2RG mRNA (Personal communication, Dr. Jennifer Puck). While this particular variant has not been reported in the literature, truncating variants in IL2RG are known to be pathogenic (PMID: 9058718, 10794430). This sequence change creates a premature translational stop signal at codon 240 (p.Trp240*) of the IL2RG gene. It is expected to result in an absent or disrupted protein product.

Literature cited by the submitters: PubMed 9058718 (cited by Labcorp Genetics (formerly Invitae), Labcorp); PubMed 10794430 (cited by Labcorp Genetics (formerly Invitae), Labcorp).